The following is an entry in ClinVar:

ClinVar aggregate classification (germline): Uncertain significance (1 of 4 stars; one submission).

gnomAD v4.1: 2 of 1,613,960 alleles (0.00012%); highest among the groups gnomAD compares: Non-Finnish European, 0.00017%; no homozygotes.

Submission:

Labcorp Genetics (formerly Invitae), Labcorp
Classification: Uncertain significance. Last evaluated: 2023-07-03. Review status: criteria provided, single submitter. Criteria: Invitae Variant Classification Sherloc (09022015). Collection method: clinical testing. Allele origin: germline.
Comment: This sequence change affects codon 40 of the TTC26 mRNA. It is a 'silent' change, meaning that it does not change the encoded amino acid sequence of the TTC26 protein. In summary, the available evidence is currently insufficient to determine the role of this variant in disease. Therefore, it has been classified as a Variant of Uncertain Significance. Algorithms developed to predict the effect of sequence changes on RNA splicing suggest that this variant may disrupt the consensus splice site. This variant has not been reported in the literature in individuals affected with TTC26-related conditions. This variant is not present in population databases (gnomAD no frequency).

NM_024926.4(IFT56):c.120T>C (p.Thr40=)

Gene: IFT56 (intraflagellar transport 56; plus strand). Cytogenetic location: 7q34.
Variant type: single nucleotide variant.
Coding change: c.120T>C on transcript NM_024926.4 (MANE Select); coding-DNA position 120, T replaced by C.
Protein change: p.Thr40=; no amino-acid change (threonine 40 retained).
Molecular consequence: synonymous variant. On other transcripts: 5 prime UTR variant (1), intron variant (1).
Genome position (GRCh38, 1-based): chr7:139,134,771, T>C. VCF-style: chr7-139134771-T-C. GRCh37 (hg19) VCF-style: chr7-138819517-T-C.
Other names: c.120T>C, p.Thr40= (NM_001144920.3, NM_001144923.3, NM_001287512.2 and 3 more transcripts); c.-462T>C (NM_001318333.2); c.-175+50T>C (NM_001287513.2).
Identifiers: ClinVar variation 4793613 (VCV004793613.1).
Genomic context (GRCh38, chr7:139,134,771, plus strand): 5'-AAAGAAGAAAGGTAGGAAGATTCCAAAACTAGAGGAGCTACTTTCAAAAAGAGATTTCAC[T>C]GGAGCTATTACCCTGTTGGAGGTAATGCCCAAAGAACGTTGCTTCTTAGTGTATGAATAC-3'
Protein context (NP_079202.2, residues 30-50): LEELLSKRDF[Thr40=]GAITLLEFKR